The following is an entry in ClinVar:

ClinVar aggregate classification (germline): Uncertain significance. Review status: criteria provided, multiple submitters, no conflicts (2 of 4 stars). 2 submissions from 2 submitters: Uncertain significance (2). Last evaluated 2025-09-04.

Conditions:
Inborn genetic diseases. Identifiers: MedGen C0950123, MeSH D030342.
Palatal anomalies-widely spaced teeth-facial dysmorphism-developmental delay syndrome. Also called: Cleft palate, psychomotor retardation, and distinctive facial features. Identifiers: Orphanet 477993, MedGen C4225229, MONDO:0014751, OMIM 616728.

gnomAD v4.1: 1 of 1,609,050 alleles (0.000062%); highest among the groups gnomAD compares: Non-Finnish European, 0.000085%; no homozygotes.

Submissions (2):

Ambry Genetics
Classification: Uncertain significance for Inborn genetic diseases. Last evaluated: 2025-09-04. Review status: criteria provided, single submitter. Criteria: Ambry Variant Classification Scheme 2023. Collection method: clinical testing. Allele origin: germline.
Comment: The p.R819Q variant (also known as c.2456G>A), located in coding exon 21 of the KDM1A gene, results from a G to A substitution at nucleotide position 2456. The arginine at codon 819 is replaced by glutamine, an amino acid with highly similar properties. This amino acid position is conserved. In addition, this alteration is predicted to be deleterious by in silico analysis. Based on the available evidence, the clinical significance of this variant remains unclear.

Institute of Human Genetics, University of Leipzig Medical Center
Classification: Uncertain significance for Palatal anomalies-widely spaced teeth-facial dysmorphism-developmental delay syndrome. Last evaluated: 2024-10-15. Review status: criteria provided, single submitter. Criteria: ACMG Guidelines, 2015. Collection method: clinical testing. Allele origin: de novo. Inheritance: Autosomal dominant inheritance. Affected: yes.
Comment: Criteria applied: PS2_MOD,PM2_SUP,PP2,PP3

NM_001009999.3(KDM1A):c.2456G>A (p.Arg819Gln)

Gene: KDM1A (lysine demethylase 1A; plus strand). Cytogenetic location: 1p36.12.
Variant type: single nucleotide variant.
Coding change: c.2456G>A on transcript NM_001009999.3 (MANE Select); coding-DNA position 2456, G replaced by A.
Protein change: p.Arg819Gln; replaces arginine 819 with glutamine.
Molecular consequence: missense variant. On other transcripts: 3 prime UTR variant (1).
Genome position (GRCh38, 1-based): chr1:23,083,189, G>A. VCF-style: chr1-23083189-G-A. GRCh37 (hg19) VCF-style: chr1-23409682-G-A.
Other names: c.2402G>A, p.Arg801Gln (NM_001363654.2); c.2462G>A, p.Arg821Gln (NM_001410762.1); c.*704G>A (NM_001410763.1); c.2384G>A, p.Arg795Gln (NM_015013.4); c.2456G>A (NM_001009999.2); short protein forms R795Q, R801Q, R819Q, R821Q.
Identifiers: ClinVar variation 3376128 (VCV003376128.4).